The following is an entry in ClinVar:

NM_001282531.3(ADNP):c.2496_2499del (p.Asn832fs)

Gene: ADNP (activity dependent neuroprotector homeobox; minus strand). Cytogenetic location: 20q13.13.
Variant type: Microsatellite.
Coding change: c.2496_2499del on transcript NM_001282531.3 (MANE Select); coding-DNA positions 2496 to 2499, 4 bases deleted (TAAA; older notation c.2496_2499delTAAA).
Protein change: p.Asn832fs; shifts the reading frame from asparagine 832.
Molecular consequence: frameshift variant.
Genome position (GRCh38, 1-based): chr20:50,892,215-50,892,218, TTTA deleted on the plus strand (TAAA on the coding strand, the reverse complement: ADNP is on the minus strand); deleting any 4 consecutive bases within chr20:50,892,215-50,892,222 gives the same sequence; the c. name uses the placement nearest the transcript's 3' end. VCF-style (leftmost placement, unchanged base first): chr20-50892214-CTTTA-C. GRCh37 (hg19) VCF-style: chr20-49508751-CTTTA-C.
Other names: c.2496_2499del (NM_015339.2); c.2496_2499delTAAA (NM_001282531.2, NM_015339.5); c.2496_2499del, p.Asn832fs (NM_001282532.2, NM_001347511.2, NM_015339.5 and 1 more transcripts); short protein forms N832fs.
Identifiers: ClinVar variation 139632 (VCV000139632.76), dbSNP rs587777523, ClinGen allele CA163342.
Genomic context (GRCh38, chr20:50,892,214, plus strand): 5'-AATCCTTCTCATCATGATTTTCAAATAGCCACTCAGCATCAAAATCCATCTCATGCTTGA[CTTTA>C]TTTAATTCTTTCATGTTAAACCCCAGCAACACGCCAGGCTTGTACTTTTCACAATCACGG-3'

ClinVar aggregate classification (germline): Pathogenic. Review status: criteria provided, multiple submitters, no conflicts (2 of 4 stars). 21 submissions from 21 submitters: Pathogenic (17). 4 of the submissions do not count toward it. Last evaluated 2026-01-29.

Conditions:
Inborn genetic diseases. Identifiers: MedGen C0950123, MeSH D030342.
ADNP-related multiple congenital anomalies - intellectual disability - autism spectrum disorder. Also called: Helsmoortel-Van der Aa Syndrome; ADNP-Related Helsmoortel-Van der Aa Syndrome. Identifiers: Orphanet 404448, MedGen C4014538, MONDO:0014379, OMIM 615873. Disease mechanism: loss of function.

Submissions 1 to 10 of 21:

Victorian Clinical Genetics Services, Murdoch Childrens Research Institute
Classification: Pathogenic for ADNP-related multiple congenital anomalies - intellectual disability - autism spectrum disorder. Last evaluated: 2026-01-29. Review status: criteria provided, single submitter. Criteria: ACMG Guidelines, 2015. Collection method: clinical testing. Allele origin: germline. Affected: yes.
Comment: This variant is classified as Pathogenic. Evidence in support of pathogenic classification: Variant is predicted to result in a truncated protein (premature termination codon is NOT located at least 54 nucleotides upstream of the final exon-exon junction) with less than 1/3 of the protein sequence affected; Variant is absent from gnomAD (v2, v3 and v4); This variant has strong previous evidence of pathogenicity in unrelated individuals. It has been reported in the literature in at least ten other individuals with ADNP-related disorders, and consistently classified as pathogenic by clinical laboratories in ClinVar (DECIPHER; PMID: 32275126, 29724491, 24531329); Other downstream truncating variant(s) comparable to the one identified in this case have very strong previous evidence for pathogenicity (DECIPHER); Additional information: This variant is heterozygous; This gene is associated with autosomal dominant disease; Loss of function is a known mechanism of disease in this gene and is associated with Helsmoortel-van der Aa syndrome (MIM#615873); The condition associated with this gene has incomplete penetrance. Two individuals with ADNP-related disorders have been reported to have inherited a pathogenic variant from an unaffected parent (PMID: 29724491).

Institute of Human Genetics, University of Leipzig Medical Center
Classification: Pathogenic for ADNP-related multiple congenital anomalies - intellectual disability - autism spectrum disorder. Last evaluated: 2026-01-07. Review status: criteria provided, single submitter. Criteria: ACMG Guidelines, 2015. Collection method: clinical testing. Allele origin: unknown. Inheritance: Autosomal dominant inheritance. Affected: yes.
Comment: Criteria applied: PS2_VSTR,PVS1_STR,PS4,PM2,PS3_SUP

3billion
Classification: Pathogenic for ADNP-related multiple congenital anomalies - intellectual disability - autism spectrum disorder. Last evaluated: 2025-12-17. Review status: criteria provided, single submitter. Criteria: ACMG Guidelines, 2015. Collection method: clinical testing. Allele origin: germline. Affected: yes.
Comment: The variant is not observed in the gnomAD v4.1.0 dataset. Predicted Consequence/Location: Frameshift: predicted to result in a loss or disruption of normal protein function through protein truncation. The predicted truncated protein may be shortened by more than 10%. The variant has been reported at least twice as pathogenic with clinical assertions and evidence for the classification (ClinVar ID: VCV000139632 /PMID: 24531329 /3billion dataset). Therefore, this variant is classified as Pathogenic according to the recommendation of ACMG/AMP guideline.

Variantyx, Inc.
Classification: Pathogenic for ADNP-related multiple congenital anomalies - intellectual disability - autism spectrum disorder. Last evaluated: 2025-09-02. Review status: criteria provided, single submitter. Criteria: Variantyx Assertion Criteria 2022. Collection method: clinical testing. Allele origin: de novo. Inheritance: Autosomal dominant inheritance. Affected: yes.
Comment: This is a frameshift variant in the ADNP gene (OMIM: 611386). Pathogenic variants in this gene have been associated with autosomal dominant Helsmoortel-van der Aa syndrome. The alteration introduces a premature termination codon in exon 6 out of 6 and is expected to result in loss of function, which is a known disease mechanism for ADNP in this disorder (PMID: 24531329, 25533962, 29724491) (PVS1). It is absent from control populations (PM2). Based on the current evidence, this variant is classified as pathogenic for autosomal dominant Helsmoortel-van der Aa syndrome.

Center of Human Genetics, Hôpital Erasme
Classification: Pathogenic for ADNP-related multiple congenital anomalies - intellectual disability - autism spectrum disorder. Last evaluated: 2025-01-01. Review status: criteria provided, single submitter. Criteria: ACMG Guidelines, 2015. Collection method: clinical testing. Allele origin: de novo. Affected: yes.

Genomic Medicine Center of Excellence, King Faisal Specialist Hospital and Research Centre
Classification: Pathogenic for ADNP-related multiple congenital anomalies - intellectual disability - autism spectrum disorder. Last evaluated: 2024-09-22. Review status: criteria provided, single submitter. Criteria: ACMG Guidelines, 2015. Collection method: clinical testing. Allele origin: germline.

Institute of Human Genetics, Cologne University
Classification: Pathogenic for ADNP-related multiple congenital anomalies - intellectual disability - autism spectrum disorder. Last evaluated: 2024-09-20. Review status: criteria provided, single submitter. Criteria: ACMG Guidelines, 2015. Collection method: clinical testing. Allele origin: de novo. Affected: yes.

Department of Genetics, Rouen University Hospital, Normandy Center for Genomic and Personalized Medicine
Classification: Pathogenic for ADNP-related multiple congenital anomalies - intellectual disability - autism spectrum disorder. Last evaluated: 2024-07-11. Review status: criteria provided, single submitter. Criteria: ACMG Guidelines, 2015. Collection method: clinical testing. Allele origin: de novo. Affected: yes.

Women's Health and Genetics/Laboratory Corporation of America, LabCorp
Classification: Pathogenic for ADNP-related multiple congenital anomalies - intellectual disability - autism spectrum disorder. Last evaluated: 2024-01-25. Review status: criteria provided, single submitter. Criteria: LabCorp Variant Classification Summary - May 2015. Collection method: clinical testing. Allele origin: germline.
Comment: Variant summary: ADNP c.2496_2499delTAAA (p.Asn832LysfsX81) results in a premature termination codon, predicted to cause a truncation of the encoded protein or absence of the protein. The variant was absent in 251334 control chromosomes (gnomAD). c.2496_2499delTAAA has been reported in the literature as a de denovo occurrence in multiple individuals affected with Helsmoortel-Van Der Aa Syndrome and autism spectrum disorder with developmental delay (examples: Helsmoortel_2014, Gozes_2017, Krgovic_2022, Maron_2023). These data indicate that the variant is very likely to be associated with disease. The following publications have been ascertained in the context of this evaluation (PMID: 37432431, 24531329, 35813072, 28221363). ClinVar contains an entry for this variant (Variation ID: 139632). Based on the evidence outlined above, the variant was classified as pathogenic.

Labcorp Genetics (formerly Invitae), Labcorp
Classification: Pathogenic. Last evaluated: 2023-12-05. Review status: criteria provided, single submitter. Criteria: Invitae Variant Classification Sherloc (09022015). Collection method: clinical testing. Allele origin: germline.
Comment: This sequence change creates a premature translational stop signal (p.Asn832Lysfs*81) in the ADNP gene. While this is not anticipated to result in nonsense mediated decay, it is expected to disrupt the last 271 amino acid(s) of the ADNP protein. This variant is not present in population databases (gnomAD no frequency). This premature translational stop signal has been observed in individuals with clinical features of Helsmoortel-Van der Aa syndrome (PMID: 24531329, 28221363, 32275126; Invitae). ClinVar contains an entry for this variant (Variation ID: 139632). For these reasons, this variant has been classified as Pathogenic.